The following is an entry in ClinVar:

NM_024422.6(DSC2):c.2138C>A (p.Thr713Lys)

Gene: DSC2 (desmocollin 2; minus strand). Cytogenetic location: 18q12.1.
Variant type: single nucleotide variant.
Coding change: c.2138C>A on transcript NM_024422.6 (MANE Select); coding-DNA position 2138, C replaced by A.
Protein change: p.Thr713Lys; replaces threonine 713 with lysine.
Molecular consequence: missense variant.
Genome position (GRCh38, 1-based): chr18:31,070,838, G>T on the plus strand (C>A on the coding strand, the complement: DSC2 is on the minus strand). VCF-style: chr18-31070838-G-T. GRCh37 (hg19) VCF-style: chr18-28650804-G-T.
Other names: c.2138C>A, p.Thr713Lys (NM_004949.5); short protein forms T713K.
Identifiers: ClinVar variation 1693183 (VCV001693183.3), dbSNP rs180863872, ClinGen allele CA402112565.

ClinVar aggregate classification (germline): Uncertain significance. Review status: criteria provided, multiple submitters, no conflicts (2 of 4 stars). 2 submissions from 2 submitters: Uncertain significance (2). Last evaluated 2022-06-01.

Conditions:
Cardiovascular phenotype. Identifiers: MedGen CN230736.
Arrhythmogenic right ventricular cardiomyopathy (ARVD). Also called: Cardiomyopathy, ARVC; Arrhythmogenic right ventricular dysplasia; Arrhythmogenic cardiomyopathy; Arrhythmogenic Right Ventricular Cardiomyopathy (ARVC). Identifiers: Orphanet 247, MedGen C0349788, MeSH D019571, MONDO:0016587. Disease mechanism: loss of function. Inheritance: Various modes of inheritance.

gnomAD v4.1: 1 of 1,613,708 alleles (0.000062%); highest among the groups gnomAD compares: East Asian, 0.0022%; no homozygotes.

Submissions (2):

Molecular Genetics Laboratory - Cardiogenetics, CHU de Nantes
Classification: Uncertain significance for Arrhythmogenic right ventricular cardiomyopathy. Last evaluated: 2022-06-01. Review status: criteria provided, single submitter. Criteria: ACMG Guidelines, 2015. Collection method: curation. Allele origin: germline. Affected: yes.

Ambry Genetics
Classification: Uncertain significance for Cardiovascular phenotype. Last evaluated: 2019-10-15. Review status: criteria provided, single submitter. Criteria: Ambry Variant Classification Scheme 2023. Collection method: clinical testing. Allele origin: germline.
Comment: The p.T713K variant (also known as c.2138C>A), located in coding exon 14 of the DSC2 gene, results from a C to A substitution at nucleotide position 2138. The threonine at codon 713 is replaced by lysine, an amino acid with similar properties. This amino acid position is well conserved in available vertebrate species. In addition, this alteration is predicted to be deleterious by in silico analysis. Since supporting evidence is limited at this time, the clinical significance of this alteration remains unclear.